The following is an entry in ClinVar:

NM_002150.3(HPD):c.93+2T>C

Genes: TIALD (transcript inducer of AURKA lysosomal degradation; plus strand), HPD (4-hydroxyphenylpyruvate dioxygenase; minus strand). Cytogenetic location: 12q24.31.
Variant type: single nucleotide variant.
Coding change: c.93+2T>C on transcript NM_002150.3 (MANE Select); the canonical splice donor site of the intron after coding-DNA position 93, T replaced by C.
Molecular consequence: splice donor variant.
Genome position (GRCh38, 1-based): chr12:121,857,755, A>G on the plus strand (T>C on the coding strand, the complement: HPD is on the minus strand). VCF-style: chr12-121857755-A-G. GRCh37 (hg19) VCF-style: chr12-122295661-A-G.
Other names: c.-25+2T>C (NM_001171993.2).
Identifiers: ClinVar variation 2935604 (VCV002935604.3), dbSNP rs113367095, ClinGen allele CA244621964.

ClinVar aggregate classification (germline): Likely pathogenic (1 of 4 stars; one submission).

Conditions:
Hawkinsinuria. Identifiers: Orphanet 2118, MedGen C2931042, MONDO:0007700, OMIM 140350, HP:0034457.
Tyrosinemia type III. Also called: Tyrosinemia type 3; 4-alpha hydroxyphenylpyruvic acid oxidase deficiency; 4-alpha hydroxyphenylpyruvate dioxygenase deficiency; 4-Hydroxyphenylpyruvate dioxygenase deficiency; 4-HYDROXYPHENYLPYRUVIC ACID OXIDASE DEFICIENCY. Identifiers: Orphanet 69723, MedGen C0268623, MONDO:0010162, OMIM 276710.

gnomAD v4.1: 3 of 1,613,434 alleles (0.00019%); highest among the groups gnomAD compares: Non-Finnish European, 0.00025%; no homozygotes.

Submission:

Labcorp Genetics (formerly Invitae), Labcorp
Classification: Likely pathogenic for Tyrosinemia type III; Hawkinsinuria. Last evaluated: 2023-07-17. Review status: criteria provided, single submitter. Criteria: Invitae Variant Classification Sherloc (09022015). Collection method: clinical testing. Allele origin: germline.
Comment: Algorithms developed to predict the effect of sequence changes on RNA splicing suggest that this variant may disrupt the consensus splice site. In summary, the currently available evidence indicates that the variant is pathogenic, but additional data are needed to prove that conclusively. Therefore, this variant has been classified as Likely Pathogenic. This sequence change affects a donor splice site in intron 3 of the HPD gene. It is expected to disrupt RNA splicing. Variants that disrupt the donor or acceptor splice site typically lead to a loss of protein function (PMID: 16199547), and loss-of-function variants in HPD are known to be pathogenic (PMID: 10942115, 23036342). This variant is not present in population databases (gnomAD no frequency). This variant has not been reported in the literature in individuals affected with HPD-related conditions.

Literature cited by the submitters: PubMed 16199547; PubMed 10942115; PubMed 23036342.